The following is an entry in ClinVar:

ClinVar aggregate classification (germline): Uncertain significance (1 of 4 stars; one submission).

Allele frequency attached by ClinVar (database versions not stated): gnomAD 0.00002; TOPMed 0.00002; gnomAD exomes 0.00004.
gnomAD v4.1: 53 of 1,581,586 alleles (0.0034%); highest among the groups gnomAD compares: Non-Finnish European, 0.0044%; no homozygotes.

Submission:

Labcorp Genetics (formerly Invitae), Labcorp
Classification: Uncertain significance. Last evaluated: 2022-04-15. Review status: criteria provided, single submitter. Criteria: Invitae Variant Classification Sherloc (09022015). Collection method: clinical testing. Allele origin: germline.
Comment: In summary, the available evidence is currently insufficient to determine the role of this variant in disease. Therefore, it has been classified as a Variant of Uncertain Significance. Algorithms developed to predict the effect of missense changes on protein structure and function are either unavailable or do not agree on the potential impact of this missense change (SIFT: "Deleterious"; PolyPhen-2: "Possibly Damaging"; Align-GVGD: "Class C0"). This variant has not been reported in the literature in individuals affected with TRIOBP-related conditions. This variant is present in population databases (rs763290991, gnomAD 0.005%). This sequence change replaces proline, which is neutral and non-polar, with leucine, which is neutral and non-polar, at codon 1423 of the TRIOBP protein (p.Pro1423Leu).

NM_001039141.3(TRIOBP):c.4268C>T (p.Pro1423Leu)

Gene: TRIOBP (TRIO and F-actin binding protein; plus strand). Cytogenetic location: 22q13.1.
Variant type: single nucleotide variant.
Coding change: c.4268C>T on transcript NM_001039141.3 (MANE Select); coding-DNA position 4268, C replaced by T.
Protein change: p.Pro1423Leu; replaces proline 1423 with leucine.
Molecular consequence: missense variant.
Genome position (GRCh38, 1-based): chr22:37,734,604, C>T. VCF-style: chr22-37734604-C-T. GRCh37 (hg19) VCF-style: chr22-38130611-C-T.
Other names: short protein forms P1423L.
Identifiers: ClinVar variation 1947385 (VCV001947385.5), dbSNP rs763290991, ClinGen allele CA10224343.